The following is an entry in ClinVar:

ClinVar aggregate classification (germline): Uncertain significance (1 of 4 stars; one submission).

Allele frequency attached by ClinVar (database versions not stated): gnomAD exomes 0.00001; ExAC 0.00003; gnomAD 0.00004; TOPMed 0.00005.
gnomAD v4.1: 17 of 1,614,012 alleles (0.0011%); highest among the groups gnomAD compares: Admixed American, 0.0083%; no homozygotes.

Submission:

Labcorp Genetics (formerly Invitae), Labcorp
Classification: Uncertain significance. Last evaluated: 2022-04-08. Review status: criteria provided, single submitter. Criteria: Invitae Variant Classification Sherloc (09022015). Collection method: clinical testing. Allele origin: germline.
Comment: This sequence change affects codon 515 of the NUP93 mRNA. It is a 'silent' change, meaning that it does not change the encoded amino acid sequence of the NUP93 protein. This variant is present in population databases (rs779801592, gnomAD 0.01%). This variant has not been reported in the literature in individuals affected with NUP93-related conditions. Algorithms developed to predict the effect of sequence changes on RNA splicing suggest that this variant may create or strengthen a splice site. In summary, the available evidence is currently insufficient to determine the role of this variant in disease. Therefore, it has been classified as a Variant of Uncertain Significance.

NM_014669.5(NUP93):c.1545C>T (p.His515=)

Gene: NUP93 (nucleoporin 93; plus strand). Cytogenetic location: 16q13.
Variant type: single nucleotide variant.
Coding change: c.1545C>T on transcript NM_014669.5 (MANE Select); coding-DNA position 1545, C replaced by T.
Protein change: p.His515=; no amino-acid change (histidine 515 retained).
Molecular consequence: synonymous variant.
Genome position (GRCh38, 1-based): chr16:56,834,135, C>T. VCF-style: chr16-56834135-C-T. GRCh37 (hg19) VCF-style: chr16-56868047-C-T.
Other names: c.1176C>T, p.His392= (NM_001242795.2, NM_001242796.2).
Identifiers: ClinVar variation 1918834 (VCV001918834.2), dbSNP rs779801592, ClinGen allele CA8068464.